The following is an entry in ClinVar:

ClinVar aggregate classification (germline): Likely benign. Review status: criteria provided, multiple submitters, no conflicts (2 of 4 stars). 6 submissions from 6 submitters: Likely benign (5). 1 of the submissions does not count toward it. Last evaluated 2026-03-17.

Conditions:
MYO15A-related disorder. Also called: MYO15A-related condition.
Inborn genetic diseases. Identifiers: MedGen C0950123, MeSH D030342.

Allele frequency attached by ClinVar (database versions not stated): 1000 Genomes Project 30x 0.00062.
gnomAD v4.1: 217 of 1,230,264 alleles (0.018%); highest among the groups gnomAD compares: African/African-American, 0.32%; 2 homozygotes.

Submissions (6):

Women's Health and Genetics/Laboratory Corporation of America, LabCorp
Classification: Likely benign. Last evaluated: 2026-03-17. Review status: criteria provided, single submitter. Criteria: LabCorp Variant Classification Summary - May 2015. Collection method: clinical testing. Allele origin: germline.
Comment: Variant summary: MYO15A c.2014T>C (p.Ser672Pro) results in a non-conservative amino acid change in the encoded protein sequence. Algorithms developed to predict the effect of missense changes on protein structure and function are either unavailable or do not agree on the potential impact of this missense change. The variant allele was found at a frequency of 0.00018 in 1230264 control chromosomes, predominantly at a frequency of 0.0032 within the African or African-American subpopulation in the gnomAD database, including 2 homozygotes. The observed variant frequency within African or African-American control individuals in the gnomAD database exceeds the estimated maximal expected allele frequency for disease-causing variants in MYO15A. To our knowledge, no occurrence of c.2014T>C in individuals affected with MYO15A-related conditions and no experimental evidence demonstrating its impact on protein function have been reported. ClinVar contains an entry for this variant (Variation ID: 1198834). Based on the evidence outlined above, the variant was classified as likely benign.

Labcorp Genetics (formerly Invitae), Labcorp
Classification: Likely benign. Last evaluated: 2026-01-28. Review status: criteria provided, single submitter. Criteria: Invitae Variant Classification Sherloc (09022015). Collection method: clinical testing. Allele origin: germline.

Blueprint Genetics
Classification: Likely benign. Last evaluated: 2024-10-18. Review status: criteria provided, single submitter. Criteria: ACMG Guidelines, 2015. Collection method: clinical testing. Allele origin: germline.

Ambry Genetics
Classification: Likely benign for Inborn genetic diseases. Last evaluated: 2021-09-27. Review status: criteria provided, single submitter. Criteria: Ambry Variant Classification Scheme 2023. Collection method: clinical testing. Allele origin: germline.

GeneDx
Classification: Likely benign. Last evaluated: 2021-03-17. Review status: criteria provided, single submitter. Criteria: GeneDx Variant Classification Process June 2021. Collection method: clinical testing. Allele origin: germline. Affected: yes.

PreventionGenetics, part of Exact Sciences
Classification: Likely benign for MYO15A-related condition. Last evaluated: 2024-09-24. Review status: no assertion criteria provided. Collection method: clinical testing. Allele origin: germline. Not counted in ClinVar's aggregate classification.
Comment: This variant is classified as likely benign based on ACMG/AMP sequence variant interpretation guidelines (Richards et al. 2015 PMID: 25741868, with internal and published modifications).

NM_016239.4(MYO15A):c.2014T>C (p.Ser672Pro)

Gene: MYO15A (myosin XVA; plus strand). Cytogenetic location: 17p11.2.
Variant type: single nucleotide variant.
Coding change: c.2014T>C on transcript NM_016239.4 (MANE Select); coding-DNA position 2014, T replaced by C.
Protein change: p.Ser672Pro; replaces serine 672 with proline.
Molecular consequence: missense variant.
Genome position (GRCh38, 1-based): chr17:18,120,814, T>C. VCF-style: chr17-18120814-T-C. GRCh37 (hg19) VCF-style: chr17-18024128-T-C.
Other names: short protein forms S672P.
Identifiers: ClinVar variation 1198834 (VCV001198834.14), dbSNP rs973362601, ClinGen allele CA288388147.